The following is an entry in ClinVar:

NC_000022.10:g.(?_38525509)_(38526920_?)del

Gene: PLA2G6 (phospholipase A2 group VI; minus strand). Cytogenetic location: 22q13.1.
Variant type: Deletion.
Identifiers: ClinVar variation 3247347 (VCV003247347.1).

ClinVar aggregate classification (germline): Pathogenic (1 of 4 stars; one submission).

Conditions:
Infantile neuroaxonal dystrophy (NBIA2A). Also called: NEURODEGENERATION WITH BRAIN IRON ACCUMULATION 2A; SEITELBERGER DISEASE; Infantile neuroaxonal dystrophy 1. Identifiers: Orphanet 35069, MedGen C0270724, MONDO:0024457, OMIM 256600.

Submission:

Labcorp Genetics (formerly Invitae), Labcorp
Classification: Pathogenic for Infantile neuroaxonal dystrophy. Last evaluated: 2024-01-08. Review status: criteria provided, single submitter. Criteria: Invitae Variant Classification Sherloc (09022015). Collection method: clinical testing. Allele origin: unknown.
Comment: This variant results in the deletion of part of exon 8 (c.1078-1351_1138del) of the PLA2G6 gene. It is expected to disrupt RNA splicing. Variants that disrupt the donor or acceptor splice site typically lead to a loss of protein function (PMID: 16199547), and loss-of-function variants in PLA2G6 are known to be pathogenic (PMID: 16783378, 18570303, 18799783, 22213678). This variant has not been reported in the literature in individuals affected with PLA2G6-related conditions. This variant disrupts a region of the PLA2G6 protein in which other variant(s) (p.Val371Met) have been determined to be pathogenic (PMID: 19138334). This suggests that this is a clinically significant region of the protein, and that variants that disrupt it are likely to be disease-causing. For these reasons, this variant has been classified as Pathogenic.

Literature cited by the submitters: PubMed 16199547; PubMed 16783378; PubMed 18570303; PubMed 18799783; PubMed 22213678; PubMed 19138334.